The following is an entry in ClinVar:

NM_206937.2(LIG4):c.1113G>T (p.Met371Ile)

Gene: LIG4 (DNA ligase 4; minus strand). Cytogenetic location: 13q33.3.
Variant type: single nucleotide variant.
Coding change: c.1113G>T on transcript NM_206937.2 (MANE Select); coding-DNA position 1113, G replaced by T.
Protein change: p.Met371Ile; replaces methionine 371 with isoleucine.
Molecular consequence: missense variant.
Genome position (GRCh38, 1-based): chr13:108,210,156, C>A on the plus strand (G>T on the coding strand, the complement: LIG4 is on the minus strand). VCF-style: chr13-108210156-C-A. GRCh37 (hg19) VCF-style: chr13-108862504-C-A.
Other names: c.1113G>T, p.Met371Ile (NM_001098268.2, NM_001352598.2, NM_001352599.2 and 6 more transcripts); c.912G>T, p.Met304Ile (NM_001330595.2); c.1149G>T, p.Met383Ile (NM_001352604.2); short protein forms M371I, M304I, M383I.
Identifiers: ClinVar variation 2125554 (VCV002125554.4), dbSNP rs767884120, ClinGen allele CA7043748.

ClinVar aggregate classification (germline): Uncertain significance (1 of 4 stars; one submission).

Conditions:
DNA ligase IV deficiency. Identifiers: Orphanet 99812, MedGen C1847827, MONDO:0011686, OMIM 606593.

Allele frequency attached by ClinVar (database versions not stated): gnomAD exomes below 0.00001; ExAC 0.00001.

Submission:

Labcorp Genetics (formerly Invitae), Labcorp
Classification: Uncertain significance for DNA ligase IV deficiency. Last evaluated: 2022-04-29. Review status: criteria provided, single submitter. Criteria: Invitae Variant Classification Sherloc (09022015). Collection method: clinical testing. Allele origin: germline.
Comment: In summary, the available evidence is currently insufficient to determine the role of this variant in disease. Therefore, it has been classified as a Variant of Uncertain Significance. Algorithms developed to predict the effect of missense changes on protein structure and function (SIFT, PolyPhen-2, Align-GVGD) all suggest that this variant is likely to be tolerated. This variant has not been reported in the literature in individuals affected with LIG4-related conditions. This variant is not present in population databases (gnomAD no frequency). This sequence change replaces methionine, which is neutral and non-polar, with isoleucine, which is neutral and non-polar, at codon 371 of the LIG4 protein (p.Met371Ile).